The following is an entry in ClinVar:

ClinVar aggregate classification (germline): Benign/Likely benign. Review status: criteria provided, multiple submitters, no conflicts (2 of 4 stars). 4 submissions from 4 submitters: Benign (2); Likely benign (1). 1 of the submissions does not count toward it. Last evaluated 2022-09-01.

Conditions:
CSMD3-related disorder. Also called: CSMD3-related condition.

Allele frequency attached by ClinVar (database versions not stated): 1000 Genomes Project 30x 0.00109; 1000 Genomes Project 0.00120; ExAC 0.00443; gnomAD exomes 0.00467 and 0.00684; gnomAD 0.00480 and 0.00493; ESP Exome Variant Server 0.00500; TOPMed 0.00504.
gnomAD v4.1: 10,690 of 1,613,226 alleles (0.66%); highest among the groups gnomAD compares: Non-Finnish European, 0.79%; 38 homozygotes.

Submissions (4):

CeGaT Center for Human Genetics Tuebingen
Classification: Likely benign. Last evaluated: 2022-09-01. Review status: criteria provided, single submitter. Criteria: CeGaT Center For Human Genetics Tuebingen Variant Classification Criteria Version 2. Collection method: clinical testing. Allele origin: germline. Affected: yes. Observed: 2 variant alleles.
Comment: CSMD3: BP4, BP7

Labcorp Genetics (formerly Invitae), Labcorp
Classification: Benign. Last evaluated: 2018-06-08. Review status: criteria provided, single submitter. Criteria: Invitae Variant Classification Sherloc (09022015). Collection method: clinical testing. Allele origin: germline.

Breakthrough Genomics
Classification: Benign. Review status: criteria provided, single submitter. Criteria: ACMG Guidelines, 2015. Collection method: not provided. Allele origin: germline. Inheritance: Unknown mechanism. Affected: yes.

PreventionGenetics, part of Exact Sciences
Classification: Likely benign for CSMD3-related condition. Last evaluated: 2019-03-06. Review status: no assertion criteria provided. Collection method: clinical testing. Allele origin: germline. Not counted in ClinVar's aggregate classification.
Comment: This variant is classified as likely benign based on ACMG/AMP sequence variant interpretation guidelines (Richards et al. 2015 PMID: 25741868, with internal and published modifications).

NM_198123.2(CSMD3):c.2061G>A (p.Arg687=)

Gene: CSMD3 (CUB and Sushi multiple domains 3; minus strand). Cytogenetic location: 8q23.3.
Variant type: single nucleotide variant.
Coding change: c.2061G>A on transcript NM_198123.2 (MANE Select); coding-DNA position 2061, G replaced by A.
Protein change: p.Arg687=; no amino-acid change (arginine 687 retained).
Molecular consequence: synonymous variant.
Genome position (GRCh38, 1-based): chr8:112,689,962, C>T on the plus strand (G>A on the coding strand, the complement: CSMD3 is on the minus strand). VCF-style: chr8-112689962-C-T. GRCh37 (hg19) VCF-style: chr8-113702191-C-T.
Other names: c.1671G>A, p.Arg557= (NM_001363185.1); c.1749G>A, p.Arg583= (NM_052900.3); c.1941G>A, p.Arg647= (NM_198124.2).
Identifiers: ClinVar variation 770195 (VCV000770195.29), dbSNP rs146167541, ClinGen allele CA4850775.
Genomic context (GRCh38, chr8:112,689,962, plus strand): 5'-ATTCTCTTGACAAACAATGGATTTCTCTCCAATTAATTCAAACCCAAACTGGCATTCAAA[C>T]CTTAAAACATCACGATTAGAAAATCCATCGCCTTCTCTAATTCCATATAAGGGTGTACCA-3'
Protein context (NP_937756.1, residues 677-697): GDGFSNRDVL[Arg687=]FECQFGFELI